The following is an entry in ClinVar:

NM_000439.5(PCSK1):c.2162A>G (p.Tyr721Cys)

Genes: PCSK1 (proprotein convertase subtilisin/kexin type 1; minus strand), CAST (calpastatin; plus strand), LOC101929710 (uncharacterized LOC101929710; plus strand). Cytogenetic location: 5q15.
Variant type: single nucleotide variant.
Coding change: c.2162A>G on transcript NM_000439.5 (MANE Select); coding-DNA position 2162, A replaced by G.
Protein change: p.Tyr721Cys; replaces tyrosine 721 with cysteine.
Molecular consequence: missense variant. On other transcripts: intron variant (11).
Genome position (GRCh38, 1-based): chr5:96,393,101, T>C on the plus strand (A>G on the coding strand, the complement: PCSK1 is on the minus strand). VCF-style: chr5-96393101-T-C. GRCh37 (hg19) VCF-style: chr5-95728805-T-C.
Other names: c.2021A>G, p.Tyr674Cys (NM_001177875.2); c.-175+13449T>C (NM_001423254.1, NM_001423259.1, NM_001423255.1 and 6 more transcripts); c.-103+13449T>C (NM_001423253.1); c.-40+13449T>C (NM_001423258.1); short protein forms Y674C, Y721C.
Identifiers: ClinVar variation 3057093 (VCV003057093.2), dbSNP rs773445927, ClinGen allele CA122899564.
Genomic context (GRCh38, chr5:96,393,101, plus strand): 5'-AGCCGGTCGTCTCTGTGCTTGTAAGGTTTAGTGTTATAAAAAACATCAACATAGTCATTA[T>C]ACAGACTGTCTTCAGAGTCTTTAAGCTGGGAAGGTTTGTTCAGCTTTTCCAGGGCTTCGT-3'
Protein context (NP_000430.3, residues 711-731): SQLKDSEDSL[Tyr721Cys]NDYVDVFYNT

ClinVar aggregate classification (germline): Uncertain significance (0 of 4 stars; one submission).

Conditions:
PCSK1-related disorder. Also called: PCSK1-related condition.

Allele frequency attached by ClinVar (database versions not stated): gnomAD exomes 0.00001; TOPMed below 0.00001.
gnomAD v4.1: 8 of 1,614,214 alleles (0.0005%); highest among the groups gnomAD compares: South Asian, 0.0011%; no homozygotes.

Submission:

PreventionGenetics, part of Exact Sciences
Classification: Uncertain significance for PCSK1-related condition. Last evaluated: 2023-11-27. Review status: no assertion criteria provided. Collection method: clinical testing. Allele origin: germline.
Comment: The PCSK1 c.2162A>G variant is predicted to result in the amino acid substitution p.Tyr721Cys. To our knowledge, this variant has not been reported in the literature or in a large population database, indicating this variant is rare. At this time, the clinical significance of this variant is uncertain due to the absence of conclusive functional and genetic evidence.